The following is an entry in ClinVar:

NM_004104.5(FASN):c.3217G>T (p.Ala1073Ser)

Gene: FASN (fatty acid synthase; minus strand). Cytogenetic location: 17q25.3.
Variant type: single nucleotide variant.
Coding change: c.3217G>T on transcript NM_004104.5 (MANE Select); coding-DNA position 3217, G replaced by T.
Protein change: p.Ala1073Ser; replaces alanine 1073 with serine.
Molecular consequence: missense variant.
Genome position (GRCh38, 1-based): chr17:82,087,331, C>A on the plus strand (G>T on the coding strand, the complement: FASN is on the minus strand). VCF-style: chr17-82087331-C-A. GRCh37 (hg19) VCF-style: chr17-80045207-C-A.
Other names: short protein forms A1073S.
Identifiers: ClinVar variation 1952364 (VCV001952364.6), dbSNP rs369190857, ClinGen allele CA8852476.
Genomic context (GRCh38, chr17:82,087,331, plus strand): 5'-GTGAGTGCGGCATACTTGGGTGGGGGCACTGGGCTGGGGCTGGGGCGGGGCTACCTTGGG[C>A]CTTGTCCTGCAGTGTGTACAGCTTCTGCCTGTGGGTGGCAGGGTCGATGTGGATGGCGGT-3'
Protein context (NP_004095.4, residues 1063-1083): RQKLYTLQDK[Ala1073Ser]QVADVVVSRW

ClinVar aggregate classification (germline): Uncertain significance. Review status: criteria provided, multiple submitters, no conflicts (2 of 4 stars). 2 submissions from 2 submitters: Uncertain significance (2). Last evaluated 2023-04-15.

Conditions:
Epileptic encephalopathy. Identifiers: MedGen C0543888, HP:0200134.

Allele frequency attached by ClinVar (database versions not stated): gnomAD 0.00001; ExAC 0.00002; TOPMed 0.00002; ESP Exome Variant Server 0.00008; gnomAD exomes 0.00008.
gnomAD v4.1: 114 of 1,611,254 alleles (0.0071%); highest among the groups gnomAD compares: Non-Finnish European, 0.0095%; no homozygotes.

Submissions (2):

Labcorp Genetics (formerly Invitae), Labcorp
Classification: Uncertain significance for Epileptic encephalopathy. Last evaluated: 2023-04-15. Review status: criteria provided, single submitter. Criteria: Invitae Variant Classification Sherloc (09022015). Collection method: clinical testing. Allele origin: germline.
Comment: In summary, the available evidence is currently insufficient to determine the role of this variant in disease. Therefore, it has been classified as a Variant of Uncertain Significance. An algorithm developed to predict the effect of missense changes on protein structure and function (PolyPhen-2) suggests that this variant is likely to be tolerated. ClinVar contains an entry for this variant (Variation ID: 1952364). This variant has not been reported in the literature in individuals affected with FASN-related conditions. This variant is present in population databases (rs369190857, gnomAD 0.004%). This sequence change replaces alanine, which is neutral and non-polar, with serine, which is neutral and polar, at codon 1073 of the FASN protein (p.Ala1073Ser).

Ambry Genetics
Classification: Uncertain significance. Last evaluated: 2022-02-24. Review status: criteria provided, single submitter. Criteria: Ambry Variant Classification Scheme 2023. Collection method: clinical testing. Allele origin: germline.